The following is an entry in ClinVar:

NM_000321.3(RB1):c.1224A>C (p.Thr408=)

Gene: RB1 (RB transcriptional corepressor 1; plus strand). Cytogenetic location: 13q14.2.
Variant type: single nucleotide variant.
Coding change: c.1224A>C on transcript NM_000321.3 (MANE Select); coding-DNA position 1224, A replaced by C.
Protein change: p.Thr408=; no amino-acid change (threonine 408 retained).
Molecular consequence: synonymous variant.
Genome position (GRCh38, 1-based): chr13:48,376,926, A>C. VCF-style: chr13-48376926-A-C. GRCh37 (hg19) VCF-style: chr13-48951062-A-C.
Identifiers: ClinVar variation 766890 (VCV000766890.14), dbSNP rs371805499, ClinGen allele CA028011.

ClinVar aggregate classification (germline): Benign/Likely benign. Review status: criteria provided, multiple submitters, no conflicts (2 of 4 stars). 4 submissions from 4 submitters: Benign (2); Likely benign (2). Last evaluated 2025-09-10.

Conditions:
Retinoblastoma (RB1). Also called: RETINOBLASTOMA, SOMATIC. Identifiers: Orphanet 790, MedGen C0035335, MeSH D012175, MONDO:0008380, OMIM 180200, HP:0009919. Disease mechanism: loss of function. Inheritance: Both sporadic and heritable forms are tested..
Hereditary cancer-predisposing syndrome. Also called: Tumor predisposition; Neoplastic Syndromes, Hereditary; Hereditary Cancer Syndrome; Hereditary neoplastic syndrome. Identifiers: Orphanet 140162, MedGen C0027672, MeSH D009386, MONDO:0015356.

Allele frequency attached by ClinVar (database versions not stated): ExAC 0.00003.
gnomAD v4.1: 53 of 1,613,574 alleles (0.0033%); highest among the groups gnomAD compares: South Asian, 0.057%; no homozygotes.

Submissions (4):

Labcorp Genetics (formerly Invitae), Labcorp
Classification: Likely benign for Retinoblastoma. Last evaluated: 2025-09-10. Review status: criteria provided, single submitter. Criteria: Invitae Variant Classification Sherloc (09022015). Collection method: clinical testing. Allele origin: germline.

All of Us Research Program, National Institutes of Health
Classification: Benign for Retinoblastoma. Last evaluated: 2023-05-08. Review status: criteria provided, single submitter. Criteria: ACMG Guidelines, 2015. Collection method: clinical testing. Allele origin: germline. Inheritance: Autosomal dominant inheritance. Observed: 1 variant allele, 1 heterozygote.
Comment: This study involves interpretation of variants in research participants for the purpose of population health screening. Participant phenotype was not available at the time of variant classification. Additional details can be found in publication PMID: 35346344, PMCID: PMC8962531

Ambry Genetics
Classification: Likely benign for Hereditary cancer-predisposing syndrome. Last evaluated: 2022-11-25. Review status: criteria provided, single submitter. Criteria: Ambry Variant Classification Scheme 2023. Collection method: clinical testing. Allele origin: germline.

Color Diagnostics, LLC DBA Color Health
Classification: Benign for Retinoblastoma. Last evaluated: 2022-04-28. Review status: criteria provided, single submitter. Criteria: ACMG Guidelines, 2015. Collection method: clinical testing. Allele origin: germline.